The following is an entry in ClinVar:

NC_000023.10:g.(77284942_77286897)_(77289271_77294333)del

Gene: ATP7A (ATPase copper transporting alpha; plus strand). Cytogenetic location: Xq21.1.
Variant type: Deletion.
Identifiers: ClinVar variation 1696221 (VCV001696221.1).

ClinVar aggregate classification (germline): Likely pathogenic (1 of 4 stars; one submission).

Conditions:
Menkes kinky-hair syndrome (MNK). Also called: Copper transport disease; Classic Menkes Disease; Menkes Disease. Identifiers: Orphanet 565, MedGen C0022716, MONDO:0010651, OMIM 309400.

Submission:

Women's Health and Genetics/Laboratory Corporation of America, LabCorp
Classification: Likely pathogenic for Menkes kinky-hair syndrome. Last evaluated: 2022-05-26. Review status: criteria provided, single submitter. Criteria: LabCorp Variant Classification Summary - May 2015. Collection method: clinical testing. Allele origin: germline.
Comment: Variant summary: The variant identified by MLPA or other technology involves the deletion of exon 16 and partial exon 17 in the ATP7A gene. A presumed nomenclature of c.(3111+1_3112-1)_(3463_3512-1)del has been designated for the purposes of this classification. The variant was absent in 16075 control chromosomes (gnomAD). To our knowledge, no occurrence of exon 16 and partial exon 17 deletion in individuals affected with Menkes Kinky-Hair Syndrome and no experimental evidence demonstrating its impact on protein function have been reported. However, deletion of exon 16 alone has been reported in at least one affected individual (PMID: 30618512). No clinical diagnostic laboratories have submitted clinical-significance assessments for this variant to ClinVar after 2014. Based on the evidence outlined above, the variant was classified as likely pathogenic.